The following is an entry in ClinVar:

ClinVar aggregate classification (germline): Benign/Likely benign. Review status: criteria provided, multiple submitters, no conflicts (2 of 4 stars). 5 submissions from 5 submitters: Benign (1); Likely benign (4). Last evaluated 2025-12-16.

Conditions:
Hereditary cancer-predisposing syndrome. Also called: Neoplastic Syndromes, Hereditary; Tumor predisposition; Hereditary Cancer Syndrome; Hereditary neoplastic syndrome. Identifiers: Orphanet 140162, MedGen C0027672, MeSH D009386, MONDO:0015356.
Hereditary nonpolyposis colorectal neoplasms. Identifiers: MedGen C0009405, MeSH D003123.
Lynch syndrome 5 (LYNCH5). Also called: Colorectal cancer, hereditary nonpolyposis, type 5; Hereditary non-polyposis colorectal cancer, type 5. Identifiers: Orphanet 144, MedGen C1833477, MONDO:0013710, OMIM 614350. Disease mechanism: loss of function.

gnomAD v4.1: 1 of 1,614,112 alleles (0.000062%); highest among the groups gnomAD compares: Admixed American, 0.0017%; no homozygotes.

Submissions (5):

Labcorp Genetics (formerly Invitae), Labcorp
Classification: Likely benign for Hereditary nonpolyposis colorectal neoplasms. Last evaluated: 2025-12-16. Review status: criteria provided, single submitter. Criteria: Invitae Variant Classification Sherloc (09022015). Collection method: clinical testing. Allele origin: germline.

Myriad Genetics, Inc.
Classification: Benign for Lynch syndrome 5. Last evaluated: 2024-12-18. Review status: criteria provided, single submitter. Criteria: Myriad Autosomal Dominant, Autosomal Recessive and X-Linked Classification Criteria (2023). Collection method: clinical testing. Allele origin: unknown.
Comment: This variant is considered benign. This variant is a silent/synonymous amino acid change and it is not expected to impact splicing.

Ambry Genetics
Classification: Likely benign for Hereditary cancer-predisposing syndrome. Last evaluated: 2023-11-08. Review status: criteria provided, single submitter. Criteria: Ambry Variant Classification Scheme 2023. Collection method: clinical testing. Allele origin: germline.

Color Diagnostics, LLC DBA Color Health
Classification: Likely benign for Hereditary cancer-predisposing syndrome. Last evaluated: 2019-12-09. Review status: criteria provided, single submitter. Criteria: ACMG Guidelines, 2015. Collection method: clinical testing. Allele origin: germline.

GeneDx
Classification: Likely benign. Last evaluated: 2018-11-07. Review status: criteria provided, single submitter. Criteria: GeneDx Variant Classification Process June 2021. Collection method: clinical testing. Allele origin: germline. Affected: yes.

NM_000179.3(MSH6):c.276A>T (p.Pro92=)

Gene: MSH6 (mutS homolog 6; plus strand). Cytogenetic location: 2p16.3.
Variant type: single nucleotide variant.
Coding change: c.276A>T on transcript NM_000179.3 (MANE Select); coding-DNA position 276, A replaced by T.
Protein change: p.Pro92=; no amino-acid change (proline 92 retained).
Molecular consequence: synonymous variant. On other transcripts: 5 prime UTR variant (2), intron variant (1).
Genome position (GRCh38, 1-based): chr2:47,790,942, A>T. VCF-style: chr2-47790942-A-T. GRCh37 (hg19) VCF-style: chr2-48018081-A-T.
Other names: c.-461A>T (NM_001281493.2); c.-627A>T (NM_001281494.2); c.237+7472A>T (NM_001281492.2).
Identifiers: ClinVar variation 919242 (VCV000919242.14), dbSNP rs1800932, ClinGen allele CA425989047.